The following is an entry in ClinVar:

ClinVar aggregate classification (germline): Uncertain significance. Review status: criteria provided, multiple submitters, no conflicts (2 of 4 stars). 3 submissions from 3 submitters: Uncertain significance (3). Last evaluated 2025-09-02.

Conditions:
Seizures, benign familial infantile, 3 (BFIS3). Also called: Familial neonatal seizures; CONVULSIONS, BENIGN FAMILIAL INFANTILE, 3. Identifiers: Orphanet 140927, Orphanet 306, MedGen C1843140, MONDO:0011904, OMIM 607745.
Developmental and epileptic encephalopathy, 11 (DEE11). Also called: Early infantile epileptic encephalopathy 11. Identifiers: Orphanet 1934, MedGen C3150987, MONDO:0013388, OMIM 613721.

gnomAD v4.1: 1 of 1,581,092 alleles (0.000063%); highest among the groups gnomAD compares: Non-Finnish European, 0.000086%; no homozygotes.

Submissions (3):

Labcorp Genetics (formerly Invitae), Labcorp
Classification: Uncertain significance for Seizures, benign familial infantile, 3; Developmental and epileptic encephalopathy, 11. Last evaluated: 2025-09-02. Review status: criteria provided, single submitter. Criteria: Invitae Variant Classification Sherloc (09022015). Collection method: clinical testing. Allele origin: germline.
Comment: This sequence change replaces proline, which is neutral and non-polar, with histidine, which is basic and polar, at codon 1512 of the SCN2A protein (p.Pro1512His). This variant is not present in population databases (gnomAD no frequency). This variant has not been reported in the literature in individuals affected with SCN2A-related conditions. ClinVar contains an entry for this variant (Variation ID: 1335407). Invitae Evidence Modeling of protein sequence and biophysical properties (such as structural, functional, and spatial information, amino acid conservation, physicochemical variation, residue mobility, and thermodynamic stability) indicates that this missense variant is expected to disrupt SCN2A protein function with a positive predictive value of 95%. In summary, the available evidence is currently insufficient to determine the role of this variant in disease. Therefore, it has been classified as a Variant of Uncertain Significance.

CeGaT Center for Human Genetics Tuebingen
Classification: Uncertain significance. Last evaluated: 2025-01-01. Review status: criteria provided, single submitter. Criteria: CeGaT Center For Human Genetics Tuebingen Variant Classification Criteria Version 2. Collection method: clinical testing. Allele origin: germline. Affected: yes. Observed: 3 variant alleles.
Comment: SCN2A: PP2, PP3

GeneDx
Classification: Uncertain significance. Last evaluated: 2022-06-02. Review status: criteria provided, single submitter. Criteria: GeneDx Variant Classification Process June 2021. Collection method: clinical testing. Allele origin: germline. Affected: yes.
Comment: Not observed at significant frequency in large population cohorts (gnomAD); Missense variants in this gene are often considered pathogenic (HGMD); In silico analysis supports that this missense variant has a deleterious effect on protein structure/function; This substitution is predicted to be in the cytoplasmic loop between the third and fourth homologous domains; Has not been previously published as pathogenic or benign to our knowledge

NM_001040142.2(SCN2A):c.4535C>A (p.Pro1512His)

Gene: SCN2A (sodium voltage-gated channel alpha subunit 2; plus strand). Cytogenetic location: 2q24.3.
Variant type: single nucleotide variant.
Coding change: c.4535C>A on transcript NM_001040142.2 (MANE Select); coding-DNA position 4535, C replaced by A.
Protein change: p.Pro1512His; replaces proline 1512 with histidine.
Molecular consequence: missense variant.
Genome position (GRCh38, 1-based): chr2:165,381,181, C>A. VCF-style: chr2-165381181-C-A. GRCh37 (hg19) VCF-style: chr2-166237691-C-A.
Other names: c.4535C>A, p.Pro1512His (NM_001040143.2, NM_001371246.1, NM_001371247.1 and 1 more transcripts); short protein forms P1512H.
Identifiers: ClinVar variation 1335407 (VCV001335407.42), dbSNP rs2105385911, ClinGen allele CA349034937.